The following is an entry in ClinVar:

ClinVar aggregate classification (germline): Uncertain significance (1 of 4 stars; one submission).

Conditions:
Primary ciliary dyskinesia. Also called: Ciliary dyskinesia. Identifiers: Orphanet 244, MedGen C0008780, MONDO:0016575, HP:0012265.

gnomAD v4.1: 1 of 1,612,750 alleles (0.000062%); no homozygotes.

Submission:

Labcorp Genetics (formerly Invitae), Labcorp
Classification: Uncertain significance for Primary ciliary dyskinesia. Last evaluated: 2025-09-20. Review status: criteria provided, single submitter. Criteria: Invitae Variant Classification Sherloc (09022015). Collection method: clinical testing. Allele origin: germline.
Comment: This sequence change replaces histidine, which is basic and polar, with arginine, which is basic and polar, at codon 345 of the DNAH11 protein (p.His345Arg). This variant is not present in population databases (gnomAD no frequency). This variant has not been reported in the literature in individuals affected with DNAH11-related conditions. Invitae Evidence Modeling of protein sequence and biophysical properties (such as structural, functional, and spatial information, amino acid conservation, physicochemical variation, residue mobility, and thermodynamic stability) indicates that this missense variant is not expected to disrupt DNAH11 protein function with a negative predictive value of 95%. In summary, the available evidence is currently insufficient to determine the role of this variant in disease. Therefore, it has been classified as a Variant of Uncertain Significance.

NM_001277115.2(DNAH11):c.1034A>G (p.His345Arg)

Gene: DNAH11 (dynein axonemal heavy chain 11; plus strand). Cytogenetic location: 7p15.3.
Variant type: single nucleotide variant.
Coding change: c.1034A>G on transcript NM_001277115.2 (MANE Select); coding-DNA position 1034, A replaced by G.
Protein change: p.His345Arg; replaces histidine 345 with arginine.
Molecular consequence: missense variant.
Genome position (GRCh38, 1-based): chr7:21,564,237, A>G. VCF-style: chr7-21564237-A-G. GRCh37 (hg19) VCF-style: chr7-21603855-A-G.
Other names: short protein forms H345R.
Identifiers: ClinVar variation 4807041 (VCV004807041.1).